The following is an entry in ClinVar:

ClinVar aggregate classification (germline): Pathogenic/Likely pathogenic. Review status: criteria provided, multiple submitters, no conflicts (2 of 4 stars). 2 submissions from 2 submitters: Pathogenic (1); Likely pathogenic (1). Last evaluated 2025-01-09.

Conditions:
Autosomal recessive nonsyndromic hearing loss 3. Also called: NEUROSENSORY NONSYNDROMIC RECESSIVE DEAFNESS 3. Identifiers: Orphanet 90636, MedGen C1838263, MONDO:0010860, OMIM 600316.

Submissions (2):

Institute of Rare Diseases, West China Hospital, Sichuan University
Classification: Pathogenic for Autosomal recessive nonsyndromic hearing loss 3. Last evaluated: 2025-01-09. Review status: criteria provided, single submitter. Criteria: ClinGen HL ACMG Specifications v1. Collection method: research. Allele origin: germline. Affected: yes.
Comment: PVS1;PM3;PM2_Supporting

Fulgent Genetics
Classification: Likely pathogenic for Autosomal recessive nonsyndromic hearing loss 3. Last evaluated: 2024-06-18. Review status: criteria provided, single submitter. Criteria: ACMG Guidelines, 2015. Collection method: clinical testing. Allele origin: germline.

NM_016239.4(MYO15A):c.8459+1G>A

Gene: MYO15A (myosin XVA; plus strand). Cytogenetic location: 17p11.2.
Variant type: single nucleotide variant.
Coding change: c.8459+1G>A on transcript NM_016239.4 (MANE Select); the canonical splice donor site of the intron after coding-DNA position 8459, G replaced by A.
Molecular consequence: splice donor variant.
Genome position (GRCh38, 1-based): chr17:18,155,433, G>A. VCF-style: chr17-18155433-G-A. GRCh37 (hg19) VCF-style: chr17-18058747-G-A.
Identifiers: ClinVar variation 3581722 (VCV003581722.2).